The following is an entry in ClinVar:

ClinVar aggregate classification (germline): Likely benign (1 of 4 stars; one submission).

Conditions:
Leukodystrophy, hypomyelinating, 7, with or without oligodontia and/or hypogonadotropic hypogonadism (HLD7). Also called: LEUKOENCEPHALOPATHY, HYPOMYELINATING, WITH ATAXIA AND DELAYED DENTITION; ATAXIA, DELAYED DENTITION, AND HYPOMYELINATION; LEUKODYSTROPHY, HYPOMYELINATING, 7, WITH OLIGODONTIA; LEUKODYSTROPHY, HYPOMYELINATING, 7, WITH OLIGODONTIA AND HYPOGONADOTROPIC HYPOGONADISM; LEUKODYSTROPHY, HYPOMYELINATING, 7, WITHOUT OLIGODONTIA OR HYPOGONADOTROPIC HYPOGONADISM; Ataxia, Delayed Dentition and Hypomyelination (ADDH). Identifiers: Orphanet 137639, Orphanet 447893, Orphanet 447896, Orphanet 77295, Orphanet 88637, MedGen CN034185, MONDO:0011897, OMIM 607694.

Allele frequency attached by ClinVar (database versions not stated): 1000 Genomes Project 0.00339; 1000 Genomes Project 30x 0.00390; TOPMed 0.00461; gnomAD 0.00475.

Submission:

Illumina Laboratory Services, Illumina
Classification: Likely benign for Leukodystrophy, hypomyelinating, 7, with or without oligodontia and/or hypogonadotropic hypogonadism. Last evaluated: 2018-01-12. Review status: criteria provided, single submitter. Criteria: ICSL Variant Classification Criteria 13 December 2019. Collection method: clinical testing. Allele origin: germline.
Comment: This variant was observed in the ICSL laboratory as part of a predisposition screen in an ostensibly healthy population. It had not been previously curated by ICSL or reported in the Human Gene Mutation Database (HGMD: prior to June 1st, 2018), and was therefore a candidate for classification through an automated scoring system. Utilizing variant allele frequency, disease prevalence and penetrance estimates, and inheritance mode, an automated score was calculated to assess if this variant is too frequent to cause the disease. Based on the score and internal cut-off values, a variant classified as likely benign is not then subjected to further curation. The score for this variant resulted in a classification of likely benign for this disease.

NM_007055.4(POLR3A):c.*2039C>T

Gene: POLR3A (RNA polymerase III subunit A; minus strand). Cytogenetic location: 10q22.3.
Variant type: single nucleotide variant.
Coding change: c.*2039C>T on transcript NM_007055.4 (MANE Select); 2039 bases downstream of the stop codon, C replaced by T.
Molecular consequence: 3 prime UTR variant.
Genome position (GRCh38, 1-based): chr10:77,975,439, G>A on the plus strand (C>T on the coding strand, the complement: POLR3A is on the minus strand). VCF-style: chr10-77975439-G-A. GRCh37 (hg19) VCF-style: chr10-79735197-G-A.
Identifiers: ClinVar variation 300985 (VCV000300985.5), dbSNP rs114774764, ClinGen allele CA10632356.